The following is an entry in ClinVar:

NM_007373.4(SHOC2):c.1285-156A>C

Gene: SHOC2 (SHOC2 leucine rich repeat scaffold protein; plus strand). Cytogenetic location: 10q25.2.
Variant type: single nucleotide variant.
Coding change: c.1285-156A>C on transcript NM_007373.4 (MANE Select); 156 bases into the intron before coding-DNA position 1285, A replaced by C.
Molecular consequence: intron variant.
Genome position (GRCh38, 1-based): chr10:111,009,092, A>C. VCF-style: chr10-111009092-A-C. GRCh37 (hg19) VCF-style: chr10-112768850-A-C.
Other names: c.1285-156A>C (NM_001324336.2, NM_001324337.2); c.1147-156A>C (NM_001269039.3).
Identifiers: ClinVar variation 561496 (VCV000561496.1), dbSNP rs7904892, ClinGen allele CA213914627.

ClinVar aggregate classification (germline): Benign (1 of 4 stars; one submission).

Allele frequency attached by ClinVar (database versions not stated): 1000 Genomes Project 0.39417; 1000 Genomes Project 30x 0.39710; TOPMed 0.51181; gnomAD 0.54779.
gnomAD v4.1: 80,739 of 151,944 alleles (53%); highest among the groups gnomAD compares: Non-Finnish European, 69%; 24,947 homozygotes.

Submission:

GeneDx
Classification: Benign. Last evaluated: 2018-06-14. Review status: criteria provided, single submitter. Criteria: GeneDx Variant Classification (06012015). Collection method: clinical testing. Allele origin: germline. Affected: yes.
Comment: This variant is considered likely benign or benign based on one or more of the following criteria: it is a conservative change, it occurs at a poorly conserved position in the protein, it is predicted to be benign by multiple in silico algorithms, and/or has population frequency not consistent with disease.